The following is an entry in ClinVar:

NM_003072.5(SMARCA4):c.3951+3A>G

Gene: SMARCA4 (SWI/SNF related BAF chromatin remodeling complex subunit ATPase 4; plus strand). Cytogenetic location: 19p13.2.
Variant type: single nucleotide variant.
Coding change: c.3951+3A>G on transcript NM_003072.5 (MANE Select); 3 bases into the intron after coding-DNA position 3951, A replaced by G.
Molecular consequence: intron variant.
Genome position (GRCh38, 1-based): chr19:11,034,203, A>G. VCF-style: chr19-11034203-A-G. GRCh37 (hg19) VCF-style: chr19-11144879-A-G.
Other names: c.3951+3A>G (NM_001128844.3, NM_001128849.3); c.3852+3A>G (NM_001128847.4, NM_001374457.1, NM_001128845.2 and 2 more transcripts).
Identifiers: ClinVar variation 824416 (VCV000824416.14), dbSNP rs1600398046, ClinGen allele CA915951636.

ClinVar aggregate classification (germline): Uncertain significance. Review status: criteria provided, multiple submitters, no conflicts (2 of 4 stars). 3 submissions from 3 submitters: Uncertain significance (3). Last evaluated 2025-06-27.

Conditions:
Rhabdoid tumor predisposition syndrome 2 (RTPS2). Identifiers: Orphanet 231108, Orphanet 69077, MedGen C2750074, MONDO:0013224, OMIM 613325.
Intellectual disability, autosomal dominant 16 (CSS4). Also called: COFFIN-SIRIS SYNDROME 4. Identifiers: Orphanet 1465, MedGen C3553249, MONDO:0013821, OMIM 614609.
Hereditary cancer-predisposing syndrome. Also called: Neoplastic Syndromes, Hereditary; Tumor predisposition; Hereditary neoplastic syndrome; Hereditary Cancer Syndrome. Identifiers: Orphanet 140162, MedGen C0027672, MeSH D009386, MONDO:0015356.

Allele frequency attached by ClinVar (database versions not stated): gnomAD exomes below 0.00001.
gnomAD v4.1: 2 of 1,612,066 alleles (0.00012%); highest among the groups gnomAD compares: Non-Finnish European, 0.000085%; no homozygotes.

Submissions (3):

Ambry Genetics
Classification: Uncertain significance for Hereditary cancer-predisposing syndrome. Last evaluated: 2025-06-27. Review status: criteria provided, single submitter. Criteria: Ambry Variant Classification Scheme 2023. Collection method: clinical testing. Allele origin: germline.
Comment: The c.3951+3A>G intronic variant results from an A to G substitution 3 nucleotides after coding exon 27 in the SMARCA4 gene. This nucleotide position is poorly conserved in available vertebrate species. In silico splice site analysis predicts that this alteration will not have any significant effect on splicing. Since supporting evidence is limited at this time, the clinical significance of this alteration remains unclear.

Labcorp Genetics (formerly Invitae), Labcorp
Classification: Uncertain significance for Rhabdoid tumor predisposition syndrome 2. Last evaluated: 2021-10-09. Review status: criteria provided, single submitter. Criteria: Invitae Variant Classification Sherloc (09022015). Collection method: clinical testing. Allele origin: germline.
Comment: This sequence change falls in intron 28 of the SMARCA4 gene. It does not directly change the encoded amino acid sequence of the SMARCA4 protein, but it affects a nucleotide within the consensus splice site of the intron. This variant is not present in population databases (ExAC no frequency). This variant has not been reported in the literature in individuals with SMARCA4-related conditions. Nucleotide substitutions within the consensus splice site are a relatively common cause of aberrant splicing (PMID: 17576681, 9536098). Algorithms developed to predict the effect of sequence changes on RNA splicing suggest that this variant is not likely to affect RNA splicing, but this prediction has not been confirmed by published transcriptional studies. In summary, the available evidence is currently insufficient to determine the role of this variant in disease. Therefore, it has been classified as a Variant of Uncertain Significance.

Genome-Nilou Lab
Classification: Uncertain significance for Intellectual disability, autosomal dominant 16. Last evaluated: 2021-07-15. Review status: criteria provided, single submitter. Criteria: ACMG Guidelines, 2015. Collection method: clinical testing. Allele origin: germline. Affected: no.

Literature cited by the submitters: PubMed 17576681 (cited by Labcorp Genetics (formerly Invitae), Labcorp); PubMed 9536098 (cited by Labcorp Genetics (formerly Invitae), Labcorp).